The following is an entry in ClinVar:

ClinVar aggregate classification (germline): Uncertain significance (1 of 4 stars; one submission).

Conditions:
Bloom syndrome (BLM). Also called: Bloom-Torre-Machacek syndrome. Identifiers: Orphanet 125, MedGen C0005859, MONDO:0008876, OMIM 210900.

Submission:

Labcorp Genetics (formerly Invitae), Labcorp
Classification: Uncertain significance for Bloom syndrome. Last evaluated: 2024-08-27. Review status: criteria provided, single submitter. Criteria: Invitae Variant Classification Sherloc (09022015). Collection method: clinical testing. Allele origin: germline.
Comment: This sequence change replaces valine, which is neutral and non-polar, with isoleucine, which is neutral and non-polar, at codon 709 of the BLM protein (p.Val709Ile). This variant is not present in population databases (gnomAD no frequency). This variant has not been reported in the literature in individuals affected with BLM-related conditions. Invitae Evidence Modeling of protein sequence and biophysical properties (such as structural, functional, and spatial information, amino acid conservation, physicochemical variation, residue mobility, and thermodynamic stability) indicates that this missense variant is not expected to disrupt BLM protein function with a negative predictive value of 80%. In summary, the available evidence is currently insufficient to determine the role of this variant in disease. Therefore, it has been classified as a Variant of Uncertain Significance.

NM_000057.4(BLM):c.2125G>A (p.Val709Ile)

Gene: BLM (BLM RecQ like helicase; plus strand). Cytogenetic location: 15q26.1.
Variant type: single nucleotide variant.
Coding change: c.2125G>A on transcript NM_000057.4 (MANE Select); coding-DNA position 2125, G replaced by A.
Protein change: p.Val709Ile; replaces valine 709 with isoleucine.
Molecular consequence: missense variant.
Genome position (GRCh38, 1-based): chr15:90,765,346, G>A. VCF-style: chr15-90765346-G-A. GRCh37 (hg19) VCF-style: chr15-91308576-G-A.
Other names: c.2125G>A, p.Val709Ile (NM_001287246.2, NM_001287247.2); c.1000G>A, p.Val334Ile (NM_001287248.2); short protein forms V334I, V709I.
Identifiers: ClinVar variation 3719953 (VCV003719953.2).
Genomic context (GRCh38, chr15:90,765,346, plus strand): 5'-TCTCTTTCAGGAGGTGGTAAGAGTTTGTGTTACCAGCTCCCTGCCTGTGTTTCTCCTGGG[G>A]TCACTGTTGTCATTTCTCCCTTGAGATCACTTATCGTAGATCAAGTCCAAAAGCTGACTT-3'
Protein context (NP_000048.1, residues 699-719): YQLPACVSPG[Val709Ile]TVVISPLRSL